The following is an entry in ClinVar:

Conditions:
Breast-ovarian cancer, familial, susceptibility to, 1 (BROVCA1). Also called: BRCA1 Hereditary Breast and Ovarian Cancer; OVARIAN CANCER, SUSCEPTIBILITY TO. Identifiers: Orphanet 145, MedGen C2676676, MONDO:0011450, OMIM 604370. Disease mechanism: loss of function.

Submission:

Brotman Baty Institute, University of Washington
No classification provided (evidence only). Condition: Breast-ovarian cancer, familial 1. Review status: no classification provided. Collection method: in vitro. Allele origin: not applicable. Functional consequence: functionally_normal.
ClinVar note: "not provided" was previously submitted as the classification for the variant. However, the classification appeared to be based only on an observation of functional data so it was converted to no classification on 2025-07-30.

NM_007294.4(BRCA1):c.61A>T (p.Ile21Phe)

Gene: BRCA1 (BRCA1 DNA repair associated; minus strand). Cytogenetic location: 17q21.31.
Variant type: single nucleotide variant.
Coding change: c.61A>T on transcript NM_007294.4 (MANE Select); coding-DNA position 61, A replaced by T.
Protein change: p.Ile21Phe; replaces isoleucine 21 with phenylalanine.
Molecular consequence: missense variant. On other transcripts: 5 prime UTR variant (1), non-coding transcript variant (1).
Genome position (GRCh38, 1-based): chr17:43,124,036, T>A on the plus strand (A>T on the coding strand, the complement: BRCA1 is on the minus strand). VCF-style: chr17-43124036-T-A. GRCh37 (hg19) VCF-style: chr17-41276053-T-A.
Other names: c.-128A>T (NM_001407571.1, NM_001407853.1, NM_001407879.1 and 46 more transcripts); c.61A>T, p.Ile21Phe (NM_001407581.1, NM_001407582.1, NM_001407583.1 and 193 more transcripts); c.-200A>T (NM_001407725.1, NM_001407730.1, NM_001407734.1 and 22 more transcripts); c.-146A>T (NM_001407726.1, NM_001407751.1); c.-197A>T (NM_001407727.1, NM_001407731.1, NM_001407733.1 and 11 more transcripts); c.-27A>T (NM_001407732.1, NM_001407736.1, NM_001407738.1 and 23 more transcripts); c.-204A>T (NM_001407741.1, NM_001407934.1, NM_001408497.1); c.-77A>T (NM_001407841.1); and 8 more; short protein forms I21F.
Identifiers: ClinVar variation 868778 (VCV000868778.3), dbSNP rs80357406, ClinGen allele CA10602033.